The following is an entry in ClinVar:

NM_020778.5(ALPK3):c.1621C>T (p.Gln541Ter)

Genes: ALPK3 (alpha kinase 3; plus strand), LOC111718493 (skeletal muscle cis-regulatory module overlapping ALPK3; plus strand). Cytogenetic location: 15q25.3.
Variant type: single nucleotide variant.
Coding change: c.1621C>T on transcript NM_020778.5 (MANE Select); coding-DNA position 1621, C replaced by T.
Protein change: p.Gln541Ter; replaces glutamine 541 with a stop codon.
Molecular consequence: nonsense.
Genome position (GRCh38, 1-based): chr15:84,840,900, C>T. VCF-style: chr15-84840900-C-T. GRCh37 (hg19) VCF-style: chr15-85384131-C-T.
Other names: short protein forms Q541*.
Identifiers: ClinVar variation 3895331 (VCV003895331.1), dbSNP rs141449225.

ClinVar aggregate classification (germline): Likely benign (1 of 4 stars; one submission).

Submission:

Molecular Diagnostic Laboratory for Inherited Cardiovascular Disease, Montreal Heart Institute
Classification: Likely benign. Last evaluated: 2025-04-09. Review status: criteria provided, single submitter. Criteria: ACMG Guidelines, 2015. Collection method: clinical testing. Allele origin: germline. Affected: no.
Comment: BS1;BP1;BP4